The following is an entry in ClinVar:

ClinVar aggregate classification (germline): Uncertain significance. Review status: criteria provided, multiple submitters, no conflicts (2 of 4 stars). 2 submissions from 2 submitters: Uncertain significance (2). Last evaluated 2025-03-17.

Allele frequency attached by ClinVar (database versions not stated): gnomAD 0.00002; TOPMed 0.00002; gnomAD exomes 0.00003.
gnomAD v4.1: 51 of 1,611,118 alleles (0.0032%); highest among the groups gnomAD compares: Non-Finnish European, 0.0043%; no homozygotes.

Submissions (2):

Labcorp Genetics (formerly Invitae), Labcorp
Classification: Uncertain significance. Last evaluated: 2025-03-17. Review status: criteria provided, single submitter. Criteria: Invitae Variant Classification Sherloc (09022015). Collection method: clinical testing. Allele origin: germline.
Comment: This sequence change replaces threonine, which is neutral and polar, with serine, which is neutral and polar, at codon 818 of the GRM6 protein (p.Thr818Ser). This variant is not present in population databases (gnomAD no frequency). This variant has not been reported in the literature in individuals affected with GRM6-related conditions. ClinVar contains an entry for this variant (Variation ID: 967633). Invitae Evidence Modeling of protein sequence and biophysical properties (such as structural, functional, and spatial information, amino acid conservation, physicochemical variation, residue mobility, and thermodynamic stability) indicates that this missense variant is not expected to disrupt GRM6 protein function with a negative predictive value of 95%. In summary, the available evidence is currently insufficient to determine the role of this variant in disease. Therefore, it has been classified as a Variant of Uncertain Significance.

Blueprint Genetics
Classification: Uncertain significance. Last evaluated: 2020-08-20. Review status: criteria provided, single submitter. Criteria: ACMG Guidelines, 2015. Collection method: clinical testing. Allele origin: germline.

NM_000843.4(GRM6):c.2452A>T (p.Thr818Ser)

Genes: GRM6 (glutamate metabotropic receptor 6; minus strand), ZNF454 (zinc finger protein 454; plus strand). Cytogenetic location: 5q35.3.
Variant type: single nucleotide variant.
Coding change: c.2452A>T on transcript NM_000843.4 (MANE Select); coding-DNA position 2452, A replaced by T.
Protein change: p.Thr818Ser; replaces threonine 818 with serine.
Molecular consequence: missense variant.
Genome position (GRCh38, 1-based): chr5:178,981,839, T>A on the plus strand (A>T on the coding strand, the complement: GRM6 is on the minus strand). VCF-style: chr5-178981839-T-A. GRCh37 (hg19) VCF-style: chr5-178408840-T-A.
Other names: short protein forms T818S.
Identifiers: ClinVar variation 967633 (VCV000967633.7), dbSNP rs1180578974, ClinGen allele CA362423463.
Genomic context (GRCh38, chr5:178,981,839, plus strand): 5'-GTACGTAGAGCATGCCGAGGGACACCGAGGCACTCAGGCTCAAGGACACGGTTAGCGTGG[T>A]TGTCTGGATGTAGATCTAGGCCATGGAAGAGGGGACCAGATGGGACTCAGCCCTGCTCTC-3'
Protein context (NP_000834.2, residues 808-828): QSAEKIYIQT[Thr818Ser]TLTVSLSLSA